The following is an entry in ClinVar:

ClinVar aggregate classification (germline): Conflicting classifications of pathogenicity. Review status: criteria provided, conflicting classifications (1 of 4 stars). 2 submissions from 2 submitters: Uncertain significance (1); Likely benign (1). Last evaluated 2024-11-26.

Conditions:
Episodic ataxia type 2 (EA2). Also called: ATAXIA, EPISODIC, WITH NYSTAGMUS; ATAXIA, FAMILIAL PAROXYSMAL; CEREBELLAR ATAXIA, PAROXYSMAL, ACETAZOLAMIDE-RESPONSIVE; CEREBELLOPATHY, HEREDITARY PAROXYSMAL; ACETAZOLAMIDE-RESPONSIVE HEREDITARY PAROXYSMAL CEREBELLAR ATAXIA; EPISODIC ATAXIA, NYSTAGMUS-ASSOCIATED. Identifiers: Orphanet 97, MedGen C1720416, MONDO:0007163, OMIM 108500.
Developmental and epileptic encephalopathy, 42 (DEE42A). Also called: DEVELOPMENTAL AND EPILEPTIC ENCEPHALOPATHY 42A; EPILEPTIC ENCEPHALOPATHY, EARLY INFANTILE, 42A; Epileptic encephalopathy, early infantile, 42. Identifiers: MedGen C4310716, MONDO:0014917, OMIM 617106.

Allele frequency attached by ClinVar (database versions not stated): gnomAD exomes below 0.00001 and 0.00003; ExAC 0.00001; TOPMed 0.00001; gnomAD 0.00002.
gnomAD v4.1: 38 of 1,506,942 alleles (0.0025%); highest among the groups gnomAD compares: Non-Finnish European, 0.0032%; no homozygotes.

Submissions (2):

GeneDx
Classification: Uncertain significance. Last evaluated: 2024-11-26. Review status: criteria provided, single submitter. Criteria: GeneDx Variant Classification Process June 2021. Collection method: clinical testing. Allele origin: germline. Affected: yes.
Comment: See Variant Classification Assertion Criteria.

Labcorp Genetics (formerly Invitae), Labcorp
Classification: Likely benign for Developmental and epileptic encephalopathy, 42; Episodic ataxia type 2. Last evaluated: 2021-12-13. Review status: criteria provided, single submitter. Criteria: Invitae Variant Classification Sherloc (09022015). Collection method: clinical testing. Allele origin: germline.

NM_001127222.2(CACNA1A):c.1083-11T>C

Gene: CACNA1A (calcium voltage-gated channel subunit alpha1 A; minus strand). Cytogenetic location: 19p13.13.
Variant type: single nucleotide variant.
Coding change: c.1083-11T>C on transcript NM_001127222.2 (MANE Select); 11 bases into the intron before coding-DNA position 1083, T replaced by C.
Molecular consequence: intron variant.
Genome position (GRCh38, 1-based): chr19:13,334,504, A>G on the plus strand (T>C on the coding strand, the complement: CACNA1A is on the minus strand). VCF-style: chr19-13334504-A-G. GRCh37 (hg19) VCF-style: chr19-13445318-A-G.
Other names: c.1083-11T>C (NM_001127221.2, NM_001174080.2, NM_000068.4 and 1 more transcripts).
Identifiers: ClinVar variation 388822 (VCV000388822.9), dbSNP rs777235021, ClinGen allele CA9240913.